The following is an entry in ClinVar:

NM_001365999.1(SZT2):c.2787C>G (p.Asp929Glu)

Gene: SZT2 (SZT2 subunit of KICSTOR complex; plus strand). Cytogenetic location: 1p34.2.
Variant type: single nucleotide variant.
Coding change: c.2787C>G on transcript NM_001365999.1 (MANE Select); coding-DNA position 2787, C replaced by G.
Protein change: p.Asp929Glu; replaces aspartic acid 929 with glutamic acid.
Molecular consequence: missense variant.
Genome position (GRCh38, 1-based): chr1:43,425,615, C>G. VCF-style: chr1-43425615-C-G. GRCh37 (hg19) VCF-style: chr1-43891286-C-G.
Other names: c.2787C>G, p.Asp929Glu (NM_015284.4); short protein forms D929E.
Identifiers: ClinVar variation 589094 (VCV000589094.21), dbSNP rs149778841, ClinGen allele CA808796.

ClinVar aggregate classification (germline): Conflicting classifications of pathogenicity. Review status: criteria provided, conflicting classifications (1 of 4 stars). 5 submissions from 5 submitters: Uncertain significance (4); Likely benign (1). Last evaluated 2025-02-24.

Conditions:
Developmental and epileptic encephalopathy, 18 (DEE18). Also called: Early infantile epileptic encephalopathy 18. Identifiers: Orphanet 369894, MedGen C3809624, MONDO:0014201, OMIM 615476.
Inborn genetic diseases. Identifiers: MedGen C0950123, MeSH D030342.

Allele frequency attached by ClinVar (database versions not stated): gnomAD exomes 0.00002 and 0.00006; ExAC 0.00007; 1000 Genomes Project 0.00020; TOPMed 0.00026; 1000 Genomes Project 30x 0.00031; gnomAD 0.00033 and 0.00035; ESP Exome Variant Server 0.00038.

Submissions (5):

GeneDx
Classification: Uncertain significance. Last evaluated: 2025-02-24. Review status: criteria provided, single submitter. Criteria: GeneDx Variant Classification Process June 2021. Collection method: clinical testing. Allele origin: germline. Affected: yes.
Comment: In silico analysis indicates that this missense variant does not alter protein structure/function; Has not been previously published as pathogenic or benign to our knowledge

Ambry Genetics
Classification: Likely benign for Inborn genetic diseases. Last evaluated: 2024-06-14. Review status: criteria provided, single submitter. Criteria: Ambry Variant Classification Scheme 2023. Collection method: clinical testing. Allele origin: germline.

Genome-Nilou Lab
Classification: Uncertain significance for Developmental and epileptic encephalopathy, 18. Last evaluated: 2023-04-11. Review status: criteria provided, single submitter. Criteria: ACMG Guidelines, 2015. Collection method: clinical testing. Allele origin: germline. Affected: no.

Labcorp Genetics (formerly Invitae), Labcorp
Classification: Uncertain significance. Last evaluated: 2022-07-19. Review status: criteria provided, single submitter. Criteria: Invitae Variant Classification Sherloc (09022015). Collection method: clinical testing. Allele origin: germline.
Comment: This sequence change replaces aspartic acid, which is acidic and polar, with glutamic acid, which is acidic and polar, at codon 929 of the SZT2 protein (p.Asp929Glu). This variant is present in population databases (rs149778841, gnomAD 0.07%). This variant has not been reported in the literature in individuals affected with SZT2-related conditions. ClinVar contains an entry for this variant (Variation ID: 589094). Algorithms developed to predict the effect of missense changes on protein structure and function (SIFT, PolyPhen-2, Align-GVGD) all suggest that this variant is likely to be tolerated. In summary, the available evidence is currently insufficient to determine the role of this variant in disease. Therefore, it has been classified as a Variant of Uncertain Significance.

Revvity Omics, Revvity
Classification: Uncertain significance for Developmental and epileptic encephalopathy, 18. Last evaluated: 2019-11-07. Review status: criteria provided, single submitter. Criteria: ACMG Guidelines, 2015. Collection method: clinical testing. Allele origin: germline.